The following is an entry in ClinVar:

ClinVar aggregate classification (germline): Uncertain significance. Review status: criteria provided, multiple submitters, no conflicts (2 of 4 stars). 3 submissions from 3 submitters: Uncertain significance (3). Last evaluated 2025-07-14.

Conditions:
Nephrolithiasis susceptibility caused by SLC26A1 (CAON1). Also called: NEPHROLITHIASIS, CALCIUM OXALATE, 1. Identifiers: MedGen C5779632, MONDO:0020722, OMIM 167030.
Hypersulfaturia (HYSULF). Identifiers: MedGen C5830511, MONDO:0957268, OMIM 620372.
Inborn genetic diseases. Identifiers: MedGen C0950123, MeSH D030342.

Allele frequency attached by ClinVar (database versions not stated): gnomAD exomes 0.00002; gnomAD 0.00003 and 0.00004; TOPMed 0.00003.
gnomAD v4.1: 28 of 1,578,498 alleles (0.0018%); highest among the groups gnomAD compares: African/African-American, 0.0067%; no homozygotes.

Submissions (3):

Ambry Genetics
Classification: Uncertain significance for Inborn genetic diseases. Last evaluated: 2025-07-14. Review status: criteria provided, single submitter. Criteria: Ambry Variant Classification Scheme 2023. Collection method: clinical testing. Allele origin: germline.

Fulgent Genetics
Classification: Uncertain significance for Nephrolithiasis susceptibility caused by SLC26A1; Hypersulfaturia. Last evaluated: 2024-05-23. Review status: criteria provided, single submitter. Criteria: ACMG Guidelines, 2015. Collection method: clinical testing. Allele origin: germline.

Labcorp Genetics (formerly Invitae), Labcorp
Classification: Uncertain significance. Last evaluated: 2021-06-29. Review status: criteria provided, single submitter. Criteria: Invitae Variant Classification Sherloc (09022015). Collection method: clinical testing. Allele origin: germline.
Comment: This sequence change replaces arginine with tryptophan at codon 462 of the SLC26A1 protein (p.Arg462Trp). The arginine residue is weakly conserved and there is a moderate physicochemical difference between arginine and tryptophan. The frequency data for this variant in the population databases is considered unreliable, as metrics indicate insufficient coverage at this position in the ExAC database. This variant has not been reported in the literature in individuals with SLC26A1-related conditions. Algorithms developed to predict the effect of missense changes on protein structure and function are either unavailable or do not agree on the potential impact of this missense change (SIFT: "Deleterious"; PolyPhen-2: "Possibly Damaging"; Align-GVGD: "Class C0"). In summary, the available evidence is currently insufficient to determine the role of this variant in disease. Therefore, it has been classified as a Variant of Uncertain Significance.

NM_022042.4(SLC26A1):c.1384C>T (p.Arg462Trp)

Genes: IDUA (alpha-L-iduronidase; plus strand), SLC26A1 (solute carrier family 26 member 1; minus strand). Cytogenetic location: 4p16.3.
Variant type: single nucleotide variant.
Coding change: c.1384C>T on transcript NM_022042.4 (MANE Select); coding-DNA position 1384, C replaced by T.
Protein change: p.Arg462Trp; replaces arginine 462 with tryptophan.
Molecular consequence: missense variant. On other transcripts: intron variant (2).
Genome position (GRCh38, 1-based): chr4:989,555, G>A on the plus strand (C>T on the coding strand, the complement: SLC26A1 is on the minus strand). VCF-style: chr4-989555-G-A. GRCh37 (hg19) VCF-style: chr4-983343-G-A.
Other names: c.1384C>T, p.Arg462Trp (NM_213613.4); c.576+1573C>T (NM_134425.4); c.299+1606G>A (NM_000203.5); c.1384C>T (NM_213613.2); short protein forms R462W.
Identifiers: ClinVar variation 1493389 (VCV001493389.10), dbSNP rs933082796, ClinGen allele CA91147707.
Genomic context (GRCh38, chr4:989,555, plus strand): 5'-TACAGGTGGCCGCGGTGCCTGCCCAGACCAGCGCGTCAGCCGGGCTCATCCGCCACAGCC[G>A]CGGGAGGTCCCACACCTTGCGCAGGGCCCCCCGCAGGCTGACCACGATGACGCAGGCCAG-3'
Protein context (NP_071325.2, residues 452-472): GALRKVWDLP[Arg462Trp]LWRMSPADAL